The following is an entry in ClinVar:

NM_004990.4(MARS1):c.98T>C (p.Val33Ala)

Genes: ARHGAP9 (Rho GTPase activating protein 9; minus strand), MARS1 (methionyl-tRNA synthetase 1; plus strand). Cytogenetic location: 12q13.3.
Variant type: single nucleotide variant.
Coding change: c.98T>C on transcript NM_004990.4 (MANE Select); coding-DNA position 98, T replaced by C.
Protein change: p.Val33Ala; replaces valine 33 with alanine.
Molecular consequence: missense variant. On other transcripts: intron variant (1).
Genome position (GRCh38, 1-based): chr12:57,488,188, T>C. VCF-style: chr12-57488188-T-C. GRCh37 (hg19) VCF-style: chr12-57881971-T-C.
Other names: c.-204+424A>G (NM_001319850.2); short protein forms V33A.
Identifiers: ClinVar variation 1800020 (VCV001800020.2), dbSNP rs1875594069, ClinGen allele CA385490123.
Genomic context (GRCh38, chr12:57,488,188, plus strand): 5'-TGCCGGTGCTGGCCGCCGCCGGGAGAGCCCGGGGCAGAGCAGAGGTGCTCATCAGCACTG[T>C]AGGCCCGGAAGGTACTCGTGCTGGTGCTGGTGGGCGGTGGATGGGGGGGCGGGACCGAAA-3'
Protein context (NP_004981.2, residues 23-43): RGRAEVLIST[Val33Ala]GPEDCVVPFL

ClinVar aggregate classification (germline): Uncertain significance (1 of 4 stars; one submission).

Allele frequency attached by ClinVar (database versions not stated): gnomAD exomes below 0.00001; TOPMed below 0.00001.
gnomAD v4.1: 5 of 1,613,186 alleles (0.00031%); highest among the groups gnomAD compares: South Asian, 0.0033%; no homozygotes.

Submission:

Ambry Genetics
Classification: Uncertain significance. Last evaluated: 2022-02-09. Review status: criteria provided, single submitter. Criteria: Ambry Variant Classification Scheme 2023. Collection method: clinical testing. Allele origin: germline.
Comment: The p.V33A variant (also known as c.98T>C), located in coding exon 1 of the MARS gene, results from a T to C substitution at nucleotide position 98. The valine at codon 33 is replaced by alanine, an amino acid with similar properties. This amino acid position is conserved. In addition, this alteration is predicted to be tolerated by in silico analysis. Since supporting evidence is limited at this time, the clinical significance of this alteration remains unclear.